The following is an entry in ClinVar:

ClinVar aggregate classification (germline): Uncertain significance (1 of 4 stars; one submission).

Allele frequency attached by ClinVar (database versions not stated): gnomAD exomes below 0.00001.
gnomAD v4.1: 2 of 1,612,128 alleles (0.00012%); highest among the groups gnomAD compares: Admixed American, 0.0017%; no homozygotes.

Submission:

Labcorp Genetics (formerly Invitae), Labcorp
Classification: Uncertain significance. Last evaluated: 2023-01-19. Review status: criteria provided, single submitter. Criteria: Invitae Variant Classification Sherloc (09022015). Collection method: clinical testing. Allele origin: germline.
Comment: In summary, the available evidence is currently insufficient to determine the role of this variant in disease. Therefore, it has been classified as a Variant of Uncertain Significance. Algorithms developed to predict the effect of missense changes on protein structure and function are either unavailable or do not agree on the potential impact of this missense change (SIFT: "Tolerated"; PolyPhen-2: "Not Available"; Align-GVGD: "Class C0"). This variant has not been reported in the literature in individuals affected with COL4A1-related conditions. This variant is not present in population databases (gnomAD no frequency). This sequence change replaces lysine, which is basic and polar, with threonine, which is neutral and polar, at codon 156 of the COL4A1 protein (p.Lys156Thr).

NM_001845.6(COL4A1):c.467A>C (p.Lys156Thr)

Gene: COL4A1 (collagen type IV alpha 1 chain; minus strand). Cytogenetic location: 13q34.
Variant type: single nucleotide variant.
Coding change: c.467A>C on transcript NM_001845.6 (MANE Select); coding-DNA position 467, A replaced by C.
Protein change: p.Lys156Thr; replaces lysine 156 with threonine.
Molecular consequence: missense variant.
Genome position (GRCh38, 1-based): chr13:110,211,648, T>G on the plus strand (A>C on the coding strand, the complement: COL4A1 is on the minus strand). VCF-style: chr13-110211648-T-G. GRCh37 (hg19) VCF-style: chr13-110863995-T-G.
Other names: c.467A>C, p.Lys156Thr (NM_001303110.2); short protein forms K156T.
Identifiers: ClinVar variation 2874754 (VCV002874754.3), dbSNP rs2501600528, ClinGen allele CA388725753.